The following is an entry in ClinVar:

NM_001085372.3(UQCC3):c.265G>A (p.Gly89Ser)

Genes: LBHD1 (LBH domain containing 1; minus strand), UQCC3 (ubiquinol-cytochrome c reductase complex assembly factor 3; plus strand). Cytogenetic location: 11q12.3.
Variant type: single nucleotide variant.
Coding change: c.265G>A on transcript NM_001085372.3 (MANE Select); coding-DNA position 265, G replaced by A.
Protein change: p.Gly89Ser; replaces glycine 89 with serine.
Molecular consequence: missense variant.
Genome position (GRCh38, 1-based): chr11:62,672,097, G>A. VCF-style: chr11-62672097-G-A. GRCh37 (hg19) VCF-style: chr11-62439569-G-A.
Other names: short protein forms G89S.
Identifiers: ClinVar variation 380147 (VCV000380147.13), dbSNP rs13941, ClinGen allele CA6052606.

ClinVar aggregate classification (germline): Benign. Review status: criteria provided, multiple submitters, no conflicts (2 of 4 stars). 4 submissions from 4 submitters: Benign (4). Last evaluated 2026-02-03.

Conditions:
Mitochondrial complex III deficiency nuclear type 9. Identifiers: MedGen C4015253, MONDO:0014496, OMIM 616111.

Allele frequency attached by ClinVar (database versions not stated): ESP Exome Variant Server 0.67959; TOPMed 0.68211; gnomAD 0.68239 and 0.69011; gnomAD exomes 0.70587 and 0.74430; 1000 Genomes Project 30x 0.74219; 1000 Genomes Project 0.74940; ExAC 0.75856.
gnomAD v4.1: 1,118,329 of 1,586,424 alleles (70%); highest among the groups gnomAD compares: East Asian, 93%; 397,333 homozygotes.

Submissions (4):

Labcorp Genetics (formerly Invitae), Labcorp
Classification: Benign. Last evaluated: 2026-02-03. Review status: criteria provided, single submitter. Criteria: Invitae Variant Classification Sherloc (09022015). Collection method: clinical testing. Allele origin: germline.

Genome-Nilou Lab
Classification: Benign for Mitochondrial complex III deficiency nuclear type 9. Last evaluated: 2021-07-14. Review status: criteria provided, single submitter. Criteria: ACMG Guidelines, 2015. Collection method: clinical testing. Allele origin: germline. Affected: no.

GeneDx
Classification: Benign. Last evaluated: 2015-12-02. Review status: criteria provided, single submitter. Criteria: GeneDx Variant Classification (06012015). Collection method: clinical testing. Allele origin: germline. Affected: yes.
Comment: This variant is considered likely benign or benign based on one or more of the following criteria: it is a conservative change, it occurs at a poorly conserved position in the protein, it is predicted to be benign by multiple in silico algorithms, and/or has population frequency not consistent with disease.

Breakthrough Genomics
Classification: Benign. Review status: criteria provided, single submitter. Criteria: ACMG Guidelines, 2015. Collection method: not provided. Allele origin: germline. Inheritance: Autosomal recessive inheritance. Affected: yes.